The following is an entry in ClinVar:

ClinVar aggregate classification (germline): Benign/Likely benign. Review status: criteria provided, multiple submitters, no conflicts (2 of 4 stars). 3 submissions from 3 submitters: Benign (2); Likely benign (1). Last evaluated 2025-08-03.

Conditions:
Glycogen storage disease due to muscle and heart glycogen synthase deficiency. Also called: GSD 0b; MUSCLE GLYCOGEN SYNTHASE DEFICIENCY. Identifiers: Orphanet 137625, MedGen C1969054, MONDO:0012693, OMIM 611556.

Allele frequency attached by ClinVar (database versions not stated): 1000 Genomes Project 0.00220; 1000 Genomes Project 30x 0.00250.

Submissions (3):

Labcorp Genetics (formerly Invitae), Labcorp
Classification: Benign for Glycogen storage disease due to muscle and heart glycogen synthase deficiency. Last evaluated: 2025-08-03. Review status: criteria provided, single submitter. Criteria: Invitae Variant Classification Sherloc (09022015). Collection method: clinical testing. Allele origin: germline.

CeGaT Center for Human Genetics Tuebingen
Classification: Likely benign. Last evaluated: 2024-08-01. Review status: criteria provided, single submitter. Criteria: CeGaT Center For Human Genetics Tuebingen Variant Classification Criteria Version 2. Collection method: clinical testing. Allele origin: germline. Affected: yes. Observed: 1 variant allele.
Comment: GYS1: BP4, BS2

Breakthrough Genomics
Classification: Benign. Review status: criteria provided, single submitter. Criteria: ACMG Guidelines, 2015. Collection method: not provided. Allele origin: germline. Inheritance: Autosomal recessive inheritance. Affected: yes.

NM_002103.5(GYS1):c.1749C>T (p.Ile583=)

Gene: GYS1 (glycogen synthase 1; minus strand). Cytogenetic location: 19q13.33.
Variant type: single nucleotide variant.
Coding change: c.1749C>T on transcript NM_002103.5 (MANE Select); coding-DNA position 1749, C replaced by T.
Protein change: p.Ile583=; no amino-acid change (isoleucine 583 retained).
Molecular consequence: synonymous variant. On other transcripts: non-coding transcript variant (1).
Genome position (GRCh38, 1-based): chr19:48,970,606, G>A on the plus strand (C>T on the coding strand, the complement: GYS1 is on the minus strand). VCF-style: chr19-48970606-G-A. GRCh37 (hg19) VCF-style: chr19-49473863-G-A.
Other names: c.1557C>T, p.Ile519= (NM_001161587.2).
Identifiers: ClinVar variation 725380 (VCV000725380.28), dbSNP rs146698792, ClinGen allele CA9562850.